The following is an entry in ClinVar:

NM_007294.4(BRCA1):c.4185+1G>C

Gene: BRCA1 (BRCA1 DNA repair associated; minus strand). Cytogenetic location: 17q21.31.
Variant type: single nucleotide variant.
Coding change: c.4185+1G>C on transcript NM_007294.4 (MANE Select); the canonical splice donor site of the intron after coding-DNA position 4185, G replaced by C.
Molecular consequence: splice donor variant.
Genome position (GRCh38, 1-based): chr17:43,090,943, C>G on the plus strand (G>C on the coding strand, the complement: BRCA1 is on the minus strand). VCF-style: chr17-43090943-C-G. GRCh37 (hg19) VCF-style: chr17-41242960-C-G.
Other names: c.735+1G>C (NM_001408458.1, NM_001408469.1, NM_001408453.1 and 11 more transcripts); c.3297+1G>C (NM_001407967.1, NM_001407966.1); c.3804+1G>C (NM_001407959.1, NM_001407963.1, NM_001407960.1); c.3918+1G>C (NM_001407931.1, NM_001407932.1, NM_001407934.1 and 2 more transcripts); c.4041+1G>C (NM_001407747.1, NM_001407848.1, NM_001407839.1 and 20 more transcripts); c.3801+1G>C (NM_001407962.1); c.372+1G>C (NM_001408512.1); c.495+1G>C (NM_001408510.1); and 41 more.
Identifiers: ClinVar variation 928510 (VCV000928510.2), dbSNP rs80358076, ClinGen allele CA10593354.
Genomic context (GRCh38, chr17:43,090,943, plus strand): 5'-ATACTACTGAATGCAAAGGACACCACACACACGCATGTGCACACACACACACGCTTTTTA[C>G]CTGAGTGGTTAAAATGTCACTCTGAGAGGATAGCCCTGAGCAGTCTTCAGAGACGCTTGT-3'

ClinVar aggregate classification (germline): Likely pathogenic (1 of 4 stars; one submission).

Conditions:
Hereditary breast ovarian cancer syndrome. Also called: Hereditary breast and ovarian cancer syndrome; Hereditary breast and ovarian cancer syndrome (HBOC); Hereditary breast and/or ovarian cancer syndrome; Hereditary breast and ovarian cancer; Breast and ovarian cancer; BRCA1- and BRCA2-Associated Hereditary Breast and Ovarian Cancer. Identifiers: Orphanet 145, MedGen C0677776, MeSH D061325, MONDO:0003582. Disease mechanism: loss of function.

Submission:

Women's Health and Genetics/Laboratory Corporation of America, LabCorp
Classification: Likely pathogenic for Hereditary breast and ovarian cancer syndrome. Last evaluated: 2019-04-09. Review status: criteria provided, single submitter. Criteria: LabCorp Variant Classification Summary - May 2015. Collection method: clinical testing. Allele origin: germline.
Comment: Variant summary: BRCA1 c.4185+1G>C is located in a canonical splice-site and is predicted to affect mRNA splicing resulting in a significantly altered protein due to either exon skipping, shortening, or inclusion of intronic material. Four computational tools predict this variant abolishes a 5' splicing donor site. However, these predictions have yet to be confirmed by functional studies. The variant was absent in 237624 control chromosomes (gnomAD). To our knowledge, no occurrence of c.4185+1G>C in individuals affected with Hereditary Breast and Ovarian Cancer and no experimental evidence demonstrating its impact on protein function have been reported. No clinical diagnostic laboratories have submitted clinical-significance assessments for this variant to ClinVar after 2014. Based on the evidence outlined above, the variant was classified as likely pathogenic.